The following is an entry in ClinVar:

ClinVar aggregate classification (germline): Uncertain significance. Review status: criteria provided, multiple submitters, no conflicts (2 of 4 stars). 2 submissions from 2 submitters: Uncertain significance (2). Last evaluated 2026-04-21.

Submissions (2):

Women's Health and Genetics/Laboratory Corporation of America, LabCorp
Classification: Uncertain significance. Last evaluated: 2026-04-21. Review status: criteria provided, single submitter. Criteria: LabCorp Variant Classification Summary - May 2015. Collection method: clinical testing. Allele origin: germline.
Comment: Variant summary: AEBP1 c.3394_3396delGAG (p.Glu1132del) results in an in-frame deletion that is predicted to remove 1 amino acid from the encoded protein. The variant allele was found at a frequency of 0.00012 in 250780 control chromosomes. This frequency is not significantly higher than estimated for disease-causing variants in AEBP1, allowing no conclusion about variant significance. To our knowledge, no occurrence of c.3394_3396delGAG in individuals affected with AEBP1-related conditions and no experimental evidence demonstrating its impact on protein function have been reported. ClinVar contains an entry for this variant (Variation ID: 1414006). Based on the evidence outlined above, the variant was classified as uncertain significance.

Labcorp Genetics (formerly Invitae), Labcorp
Classification: Uncertain significance. Last evaluated: 2022-09-19. Review status: criteria provided, single submitter. Criteria: Invitae Variant Classification Sherloc (09022015). Collection method: clinical testing. Allele origin: germline.
Comment: This variant, c.3394_3396del, results in the deletion of 1 amino acid(s) of the AEBP1 protein (p.Glu1132del), but otherwise preserves the integrity of the reading frame. The frequency data for this variant in the population databases is considered unreliable, as metrics indicate poor data quality at this position in the gnomAD database. This variant has not been reported in the literature in individuals affected with AEBP1-related conditions. Experimental studies and prediction algorithms are not available or were not evaluated, and the functional significance of this variant is currently unknown. In summary, the available evidence is currently insufficient to determine the role of this variant in disease. Therefore, it has been classified as a Variant of Uncertain Significance.

NM_001129.5(AEBP1):c.3382GAG[4] (p.Glu1132del)

Gene: AEBP1 (AE binding protein 1; plus strand). Cytogenetic location: 7p13.
Variant type: Microsatellite.
Coding change: c.3382GAG[4] on transcript NM_001129.5 (MANE Select); four copies in a row of the 3-base unit GAG starting at c.3382; the reference has five copies in a row; one copy, 3 bases deleted.
Protein change: p.Glu1132del; deletes glutamic acid 1132.
Molecular consequence: inframe deletion.
Genome position (GRCh38, 1-based): chr7:44,114,178-44,114,180, GAG deleted; deleting any 3 consecutive bases within chr7:44,114,166-44,114,180 gives the same sequence; the position shown is the placement nearest the transcript's 3' end. VCF-style (leftmost placement, unchanged base first): chr7-44114165-AGAG-A. GRCh37 (hg19) VCF-style: chr7-44153764-AGAG-A.
Other names: c.3394_3396delGAG (NM_001129.5); short protein forms E1132del.
Identifiers: ClinVar variation 1414006 (VCV001414006.4), dbSNP rs766802928, ClinGen allele CA4238478.